The following is an entry in ClinVar:

NM_032806.6(POMGNT2):c.1162C>T (p.Leu388Phe)

Gene: POMGNT2 (protein O-linked mannose N-acetylglucosaminyltransferase 2 (beta 1,4-); minus strand). Cytogenetic location: 3p22.1.
Variant type: single nucleotide variant.
Coding change: c.1162C>T on transcript NM_032806.6 (MANE Select); coding-DNA position 1162, C replaced by T.
Protein change: p.Leu388Phe; replaces leucine 388 with phenylalanine.
Molecular consequence: missense variant.
Genome position (GRCh38, 1-based): chr3:43,080,270, G>A on the plus strand (C>T on the coding strand, the complement: POMGNT2 is on the minus strand). VCF-style: chr3-43080270-G-A. GRCh37 (hg19) VCF-style: chr3-43121762-G-A.
Other names: c.1162C>T (NM_032806.4); short protein forms L388F.
Identifiers: ClinVar variation 473272 (VCV000473272.14), dbSNP rs139060322, ClinGen allele CA2339915.

ClinVar aggregate classification (germline): Uncertain significance. Review status: criteria provided, multiple submitters, no conflicts (2 of 4 stars). 5 submissions from 5 submitters: Uncertain significance (5). Last evaluated 2025-07-15.

Conditions:
Inborn genetic diseases. Identifiers: MedGen C0950123, MeSH D030342.
Muscular dystrophy-dystroglycanopathy (congenital with brain and eye anomalies), type a, 8 (MDDGA8). Also called: WALKER-WARBURG SYNDROME OR MUSCLE-EYE-BRAIN DISEASE, GTDC2-RELATED. Identifiers: Orphanet 899, MedGen C3553813, MONDO:0013904, OMIM 614830.

Allele frequency attached by ClinVar (database versions not stated): gnomAD 0.00033 and 0.00029; TOPMed 0.00036; 1000 Genomes Project 30x 0.00016; ExAC 0.00030; ESP Exome Variant Server 0.00069; 1000 Genomes Project 0.00020.

Submissions (5):

Women's Health and Genetics/Laboratory Corporation of America, LabCorp
Classification: Uncertain significance. Last evaluated: 2025-07-15. Review status: criteria provided, single submitter. Criteria: LabCorp Variant Classification Summary - May 2015. Collection method: clinical testing. Allele origin: germline.
Comment: Variant summary: POMGNT2 c.1162C>T (p.Leu388Phe) results in a non-conservative amino acid change in the encoded protein sequence. Algorithms developed to predict the effect of missense changes on protein structure and function all suggest that this variant is likely to be disruptive. The variant allele was found at a frequency of 0.00033 in 251380 control chromosomes. This frequency is not significantly higher than estimated for a pathogenic variant in POMGNT2 causing Muscular dystrophy-dystroglycanopathy (congenital with brain and eye anomalies), type a, 8 (0.00033 vs 0.0011), allowing no conclusion about variant significance. To our knowledge, no occurrence of c.1162C>T in individuals affected with Muscular dystrophy-dystroglycanopathy (congenital with brain and eye anomalies), type a, 8 and no experimental evidence demonstrating its impact on protein function have been reported. ClinVar contains an entry for this variant (Variation ID: 473272). Based on the evidence outlined above, the variant was classified as uncertain significance.

Revvity Omics, Revvity
Classification: Uncertain significance. Last evaluated: 2024-03-30. Review status: criteria provided, single submitter. Criteria: ACMG Guidelines, 2015. Collection method: clinical testing. Allele origin: germline.

Labcorp Genetics (formerly Invitae), Labcorp
Classification: Uncertain significance for Muscular dystrophy-dystroglycanopathy (congenital with brain and eye anomalies), type a, 8. Last evaluated: 2022-10-13. Review status: criteria provided, single submitter. Criteria: Invitae Variant Classification Sherloc (09022015). Collection method: clinical testing. Allele origin: germline.
Comment: This sequence change replaces leucine, which is neutral and non-polar, with phenylalanine, which is neutral and non-polar, at codon 388 of the POMGNT2 protein (p.Leu388Phe). This variant is present in population databases (rs139060322, gnomAD 0.05%). This variant has not been reported in the literature in individuals affected with POMGNT2-related conditions. ClinVar contains an entry for this variant (Variation ID: 473272). Advanced modeling of protein sequence and biophysical properties (such as structural, functional, and spatial information, amino acid conservation, physicochemical variation, residue mobility, and thermodynamic stability) performed at Invitae indicates that this missense variant is not expected to disrupt POMGNT2 protein function. In summary, the available evidence is currently insufficient to determine the role of this variant in disease. Therefore, it has been classified as a Variant of Uncertain Significance.

GeneDx
Classification: Uncertain significance. Last evaluated: 2022-09-02. Review status: criteria provided, single submitter. Criteria: GeneDx Variant Classification Process June 2021. Collection method: clinical testing. Allele origin: germline. Affected: yes.
Comment: In silico analysis supports that this missense variant has a deleterious effect on protein structure/function; Has not been previously published as pathogenic or benign to our knowledge

Ambry Genetics
Classification: Uncertain significance for Inborn genetic diseases. Last evaluated: 2021-10-06. Review status: criteria provided, single submitter. Criteria: Ambry Variant Classification Scheme 2023. Collection method: clinical testing. Allele origin: germline.